The following is an entry in ClinVar:

ClinVar aggregate classification (germline): Likely benign (0 of 4 stars; one submission).

Conditions:
PEAK1-related disorder. Also called: PEAK1-related condition.

Allele frequency attached by ClinVar (database versions not stated): ExAC 0.00013; ESP Exome Variant Server 0.00016; TOPMed 0.00023; gnomAD 0.00028; gnomAD exomes 0.00029.
gnomAD v4.1: 462 of 1,614,000 alleles (0.029%); highest among the groups gnomAD compares: Non-Finnish European, 0.037%; no homozygotes.

Submission:

PreventionGenetics, part of Exact Sciences
Classification: Likely benign for PEAK1-related condition. Last evaluated: 2019-07-25. Review status: no assertion criteria provided. Collection method: clinical testing. Allele origin: germline.
Comment: This variant is classified as likely benign based on ACMG/AMP sequence variant interpretation guidelines (Richards et al. 2015 PMID: 25741868, with internal and published modifications).

NM_001385026.1(PEAK1):c.738G>A (p.Glu246=)

Gene: PEAK1 (pseudopodium enriched atypical kinase 1; minus strand). Cytogenetic location: 15q24.3.
Variant type: single nucleotide variant.
Coding change: c.738G>A on transcript NM_001385026.1 (MANE Select); coding-DNA position 738, G replaced by A.
Protein change: p.Glu246=; no amino-acid change (glutamic acid 246 retained).
Molecular consequence: synonymous variant.
Genome position (GRCh38, 1-based): chr15:77,181,189, C>T on the plus strand (G>A on the coding strand, the complement: PEAK1 is on the minus strand). VCF-style: chr15-77181189-C-T. GRCh37 (hg19) VCF-style: chr15-77473531-C-T.
Other names: c.738G>A, p.Glu246= (NM_001387086.1, NM_024776.5, NM_001385027.1 and 1 more transcripts).
Identifiers: ClinVar variation 3049429 (VCV003049429.2), dbSNP rs55741944, ClinGen allele CA7677304.